The following is an entry in ClinVar:

ClinVar aggregate classification (germline): Uncertain significance (1 of 4 stars; one submission).

Conditions:
Kabuki syndrome. Also called: NIIKAWA-KUROKI SYNDROME; Kabuki make-up syndrome. Identifiers: Orphanet 2322, MedGen C0796004, MONDO:0016512.

Submission:

Labcorp Genetics (formerly Invitae), Labcorp
Classification: Uncertain significance for Kabuki syndrome. Last evaluated: 2025-10-29. Review status: criteria provided, single submitter. Criteria: Invitae Variant Classification Sherloc (09022015). Collection method: clinical testing. Allele origin: germline.
Comment: This sequence change replaces alanine, which is neutral and non-polar, with threonine, which is neutral and polar, at codon 1746 of the KMT2D protein (p.Ala1746Thr). This variant is not present in population databases (gnomAD no frequency). This variant has not been reported in the literature in individuals affected with KMT2D-related conditions. Invitae Evidence Modeling of protein sequence and biophysical properties (such as structural, functional, and spatial information, amino acid conservation, physicochemical variation, residue mobility, and thermodynamic stability) indicates that this missense variant is not expected to disrupt KMT2D protein function with a negative predictive value of 95%. In summary, the available evidence is currently insufficient to determine the role of this variant in disease. Therefore, it has been classified as a Variant of Uncertain Significance.

NM_003482.4(KMT2D):c.5236G>A (p.Ala1746Thr)

Gene: KMT2D (lysine methyltransferase 2D; minus strand). Cytogenetic location: 12q13.12.
Variant type: single nucleotide variant.
Coding change: c.5236G>A on transcript NM_003482.4 (MANE Select); coding-DNA position 5236, G replaced by A.
Protein change: p.Ala1746Thr; replaces alanine 1746 with threonine.
Molecular consequence: missense variant.
Genome position (GRCh38, 1-based): chr12:49,043,951, C>T on the plus strand (G>A on the coding strand, the complement: KMT2D is on the minus strand). VCF-style: chr12-49043951-C-T. GRCh37 (hg19) VCF-style: chr12-49437734-C-T.
Other names: short protein forms A1746T.
Identifiers: ClinVar variation 4801243 (VCV004801243.1).